The following is an entry in ClinVar:

ClinVar aggregate classification (germline): Benign/Likely benign. Review status: criteria provided, multiple submitters, no conflicts (2 of 4 stars). 3 submissions from 3 submitters: Benign (1); Likely benign (1). 1 of the submissions does not count toward it. Last evaluated 2025-04-14.

Conditions:
SIPA1L3-related disorder. Also called: SIPA1L3-related condition.

Allele frequency attached by ClinVar (database versions not stated): gnomAD exomes 0.00027 and 0.00097; gnomAD 0.00038 and 0.00049; TOPMed 0.00066; ExAC 0.00088; 1000 Genomes Project 30x 0.00141; 1000 Genomes Project 0.00160.
gnomAD v4.1: 525 of 1,614,124 alleles (0.033%); highest among the groups gnomAD compares: East Asian, 0.86%; 3 homozygotes.

Submissions (3):

Labcorp Genetics (formerly Invitae), Labcorp
Classification: Benign. Last evaluated: 2025-04-14. Review status: criteria provided, single submitter. Criteria: Invitae Variant Classification Sherloc (09022015). Collection method: clinical testing. Allele origin: germline.

Blueprint Genetics
Classification: Likely benign. Last evaluated: 2024-09-18. Review status: criteria provided, single submitter. Criteria: ACMG Guidelines, 2015. Collection method: clinical testing. Allele origin: germline.

PreventionGenetics, part of Exact Sciences
Classification: Benign for SIPA1L3-related condition. Last evaluated: 2019-09-10. Review status: no assertion criteria provided. Collection method: clinical testing. Allele origin: germline. Not counted in ClinVar's aggregate classification.
Comment: This variant is classified as benign based on ACMG/AMP sequence variant interpretation guidelines (Richards et al. 2015 PMID: 25741868, with internal and published modifications).

NM_015073.3(SIPA1L3):c.392C>T (p.Ala131Val)

Gene: SIPA1L3 (signal induced proliferation associated 1 like 3; plus strand). Cytogenetic location: 19q13.13.
Variant type: single nucleotide variant.
Coding change: c.392C>T on transcript NM_015073.3 (MANE Select); coding-DNA position 392, C replaced by T.
Protein change: p.Ala131Val; replaces alanine 131 with valine.
Molecular consequence: missense variant.
Genome position (GRCh38, 1-based): chr19:38,081,957, C>T. VCF-style: chr19-38081957-C-T. GRCh37 (hg19) VCF-style: chr19-38572597-C-T.
Other names: short protein forms A131V.
Identifiers: ClinVar variation 779987 (VCV000779987.12), dbSNP rs200906914, ClinGen allele CA9409092.